The following is an entry in ClinVar:

ClinVar aggregate classification (germline): Uncertain significance (1 of 4 stars; one submission).

Conditions:
Nephronophthisis 15 (NPHP15). Identifiers: Orphanet 3156, MedGen C3541853, MONDO:0013917, OMIM 614845.

Submission:

Labcorp Genetics (formerly Invitae), Labcorp
Classification: Uncertain significance for Nephronophthisis 15. Last evaluated: 2021-08-15. Review status: criteria provided, single submitter. Criteria: Invitae Variant Classification Sherloc (09022015). Collection method: clinical testing. Allele origin: germline.
Comment: This sequence change replaces serine with phenylalanine at codon 643 of the CEP164 protein (p.Ser643Phe). The serine residue is moderately conserved and there is a large physicochemical difference between serine and phenylalanine. This variant is not present in population databases (ExAC no frequency). This variant has not been reported in the literature in individuals affected with CEP164-related conditions. Algorithms developed to predict the effect of missense changes on protein structure and function are either unavailable or do not agree on the potential impact of this missense change (SIFT: "Deleterious"; PolyPhen-2: "Possibly Damaging"; Align-GVGD: "Class C15"). In summary, the available evidence is currently insufficient to determine the role of this variant in disease. Therefore, it has been classified as a Variant of Uncertain Significance.

NM_014956.5(CEP164):c.1928C>T (p.Ser643Phe)

Gene: CEP164 (centrosomal protein 164; plus strand). Cytogenetic location: 11q23.3.
Variant type: single nucleotide variant.
Coding change: c.1928C>T on transcript NM_014956.5 (MANE Select); coding-DNA position 1928, C replaced by T.
Protein change: p.Ser643Phe; replaces serine 643 with phenylalanine.
Molecular consequence: missense variant.
Genome position (GRCh38, 1-based): chr11:117,387,406, C>T. VCF-style: chr11-117387406-C-T. GRCh37 (hg19) VCF-style: chr11-117258122-C-T.
Other names: c.1937C>T, p.Ser646Phe (NM_001271933.2); short protein forms S646F, S643F.
Identifiers: ClinVar variation 1362482 (VCV001362482.3), dbSNP rs2136247338, ClinGen allele CA382719225.
Genomic context (GRCh38, chr11:117,387,406, plus strand): 5'-AGAAGCTGTGCCAAGAGGAGGAAGAGGAGATCCTCCGGCTTCACCAGCAGAAAGAGCAAT[C>T]TCTCAGGTCCTGCCCTTCCCCTTAGGCATGCTTCCTGGGGCCTTTCAGGGATGTGAGGAG-3'
Protein context (NP_055771.4, residues 633-653): ILRLHQQKEQ[Ser643Phe]LSSLRERLQK